The following is an entry in ClinVar:

ClinVar aggregate classification (germline): Uncertain significance (1 of 4 stars; one submission).

Conditions:
Familial temporal lobe epilepsy 7. Identifiers: Orphanet 101046, MedGen C4225327, MONDO:0014639, OMIM 616436.
Norman-Roberts syndrome (LIS2). Also called: Lissencephaly 2 (Norman-Roberts type). Identifiers: Orphanet 89844, MedGen C0796089, MONDO:0009760, OMIM 257320.

Allele frequency attached by ClinVar (database versions not stated): gnomAD exomes below 0.00001; TOPMed below 0.00001.
gnomAD v4.1: 6 of 1,605,616 alleles (0.00037%); highest among the groups gnomAD compares: Middle Eastern, 0.066%; no homozygotes.

Submission:

Labcorp Genetics (formerly Invitae), Labcorp
Classification: Uncertain significance for Familial temporal lobe epilepsy 7; Norman-Roberts syndrome. Last evaluated: 2023-06-10. Review status: criteria provided, single submitter. Criteria: Invitae Variant Classification Sherloc (09022015). Collection method: clinical testing. Allele origin: germline.
Comment: This sequence change falls in intron 30 of the RELN gene. It does not directly change the encoded amino acid sequence of the RELN protein. It affects a nucleotide within the consensus splice site. This variant is present in population databases (no rsID available, gnomAD 0.0009%). This variant has not been reported in the literature in individuals affected with RELN-related conditions. Variants that disrupt the consensus splice site are a relatively common cause of aberrant splicing (PMID: 17576681, 9536098). Algorithms developed to predict the effect of sequence changes on RNA splicing suggest that this variant is not likely to affect RNA splicing. In summary, the available evidence is currently insufficient to determine the role of this variant in disease. Therefore, it has been classified as a Variant of Uncertain Significance.

Literature cited by the submitters: PubMed 17576681; PubMed 9536098.

NM_005045.4(RELN):c.4511+5C>T

Gene: RELN (reelin; minus strand). Cytogenetic location: 7q22.1.
Variant type: single nucleotide variant.
Coding change: c.4511+5C>T on transcript NM_005045.4 (MANE Select); 5 bases into the intron after coding-DNA position 4511, C replaced by T.
Molecular consequence: intron variant.
Genome position (GRCh38, 1-based): chr7:103,574,087, G>A on the plus strand (C>T on the coding strand, the complement: RELN is on the minus strand). VCF-style: chr7-103574087-G-A. GRCh37 (hg19) VCF-style: chr7-103214534-G-A.
Other names: c.4511+5C>T (NM_173054.3).
Identifiers: ClinVar variation 2934229 (VCV002934229.3), dbSNP rs1421174394, ClinGen allele CA577197066.